The following is an entry in ClinVar:

ClinVar aggregate classification (germline): Pathogenic. Review status: criteria provided, multiple submitters, no conflicts (2 of 4 stars). 2 submissions from 2 submitters: Pathogenic (2). Last evaluated 2023-10-04.

Conditions:
LAMA2-related muscular dystrophy (LAMA2-RD). Also called: Laminin alpha 2-related dystrophy. Identifiers: MedGen C5679788, MONDO:0100228.

Submissions (2):

Myriad Genetics, Inc.
Classification: Pathogenic for LAMA2-related muscular dystrophy. Last evaluated: 2023-10-04. Review status: criteria provided, single submitter. Criteria: Myriad Autosomal Dominant, Autosomal Recessive and X-Linked Classification Criteria (2023). Collection method: clinical testing. Allele origin: unknown.
Comment: NM_000426.3(LAMA2):c.3555G>A(W1185*) is expected to be pathogenic in the context of muscular dystrophy, LAMA2-related. This variant is predicted to lead to an abnormal or absent protein product due to the creation of a premature termination codon in LAMA2, a gene where loss-of-function variants are known to be pathogenic. Please note: this variant was assessed in the context of healthy population screening.

Labcorp Genetics (formerly Invitae), Labcorp
Classification: Pathogenic for LAMA2-related muscular dystrophy. Last evaluated: 2023-07-03. Review status: criteria provided, single submitter. Criteria: Invitae Variant Classification Sherloc (09022015). Collection method: clinical testing. Allele origin: germline.
Comment: This sequence change creates a premature translational stop signal (p.Trp1185*) in the LAMA2 gene. It is expected to result in an absent or disrupted protein product. Loss-of-function variants in LAMA2 are known to be pathogenic (PMID: 18700894, 32904964). This variant is not present in population databases (gnomAD no frequency). This variant has not been reported in the literature in individuals affected with LAMA2-related conditions. Algorithms developed to predict the effect of sequence changes on RNA splicing suggest that this variant may create or strengthen a splice site. For these reasons, this variant has been classified as Pathogenic.

Literature cited by the submitters: PubMed 18700894 (cited by Labcorp Genetics (formerly Invitae), Labcorp); PubMed 32904964 (cited by Labcorp Genetics (formerly Invitae), Labcorp).

NM_000426.4(LAMA2):c.3555G>A (p.Trp1185Ter)

Gene: LAMA2 (laminin subunit alpha 2; plus strand). Cytogenetic location: 6q22.33.
Variant type: single nucleotide variant.
Coding change: c.3555G>A on transcript NM_000426.4 (MANE Select); coding-DNA position 3555, G replaced by A.
Protein change: p.Trp1185Ter; replaces tryptophan 1185 with a stop codon.
Molecular consequence: nonsense.
Genome position (GRCh38, 1-based): chr6:129,314,798, G>A. VCF-style: chr6-129314798-G-A. GRCh37 (hg19) VCF-style: chr6-129635943-G-A.
Other names: c.3555G>A, p.Trp1185Ter (NM_001079823.2); short protein forms W1185*.
Identifiers: ClinVar variation 2735188 (VCV002735188.4), dbSNP rs774019483, ClinGen allele CA365612531.